The following is an entry in ClinVar:

ClinVar aggregate classification (germline): Uncertain significance (1 of 4 stars; one submission).

Submission:

Labcorp Genetics (formerly Invitae), Labcorp
Classification: Uncertain significance. Last evaluated: 2022-08-09. Review status: criteria provided, single submitter. Criteria: Invitae Variant Classification Sherloc (09022015). Collection method: clinical testing. Allele origin: germline.
Comment: This variant is not present in population databases (gnomAD no frequency). This sequence change replaces isoleucine, which is neutral and non-polar, with methionine, which is neutral and non-polar, at codon 868 of the CACNA1F protein (p.Ile868Met). In summary, the available evidence is currently insufficient to determine the role of this variant in disease. Therefore, it has been classified as a Variant of Uncertain Significance. Algorithms developed to predict the effect of missense changes on protein structure and function are either unavailable or do not agree on the potential impact of this missense change (SIFT: "Deleterious"; PolyPhen-2: "Possibly Damaging"; Align-GVGD: "Class C0"). ClinVar contains an entry for this variant (Variation ID: 1394077). This variant has not been reported in the literature in individuals affected with CACNA1F-related conditions.

NM_001256789.3(CACNA1F):c.2571C>G (p.Ile857Met)

Gene: CACNA1F (calcium voltage-gated channel subunit alpha1 F; minus strand). Cytogenetic location: Xp11.23.
Variant type: single nucleotide variant.
Coding change: c.2571C>G on transcript NM_001256789.3 (MANE Select); coding-DNA position 2571, C replaced by G.
Protein change: p.Ile857Met; replaces isoleucine 857 with methionine.
Molecular consequence: missense variant.
Genome position (GRCh38, 1-based): chrX:49,219,423, G>C on the plus strand (C>G on the coding strand, the complement: CACNA1F is on the minus strand). VCF-style: chrX-49219423-G-C. GRCh37 (hg19) VCF-style: chrX-49075882-G-C.
Other names: c.2409C>G, p.Ile803Met (NM_001256790.3); c.2604C>G, p.Ile868Met (NM_005183.4); short protein forms I857M, I803M, I868M.
Identifiers: ClinVar variation 1394077 (VCV001394077.6), dbSNP rs2147909777, ClinGen allele CA412965381.